The following is an entry in ClinVar:

NM_025137.4(SPG11):c.3068A>G (p.Glu1023Gly)

Gene: SPG11 (SPG11 vesicle trafficking associated, spatacsin; minus strand). Cytogenetic location: 15q21.1.
Variant type: single nucleotide variant.
Coding change: c.3068A>G on transcript NM_025137.4 (MANE Select); coding-DNA position 3068, A replaced by G.
Protein change: p.Glu1023Gly; replaces glutamic acid 1023 with glycine.
Molecular consequence: missense variant.
Genome position (GRCh38, 1-based): chr15:44,613,507, T>C on the plus strand (A>G on the coding strand, the complement: SPG11 is on the minus strand). VCF-style: chr15-44613507-T-C. GRCh37 (hg19) VCF-style: chr15-44905705-T-C.
Other names: p.Glu1023Gly; c.3068A>G, p.Glu1023Gly (NM_001160227.2); short protein forms E1023G.
Identifiers: ClinVar variation 413999 (VCV000413999.21), dbSNP rs143145331, ClinGen allele CA7535071.
Genomic context (GRCh38, chr15:44,613,507, plus strand): 5'-ACTTGTCGACACTGAACTAAAAATTCAAACCAAGGGTGTGCTTCATGTAACTCTTTTTTT[T>C]CCAAAAAGGGACAATTTTCAGGACTAAGTCTGTATATAAAACAAACAAAAACCTTCTTTG-3'
Protein context (NP_079413.3, residues 1013-1033): KLSPENCPFL[Glu1023Gly]KKELHEAHPW

ClinVar aggregate classification (germline): Likely benign. Review status: criteria provided, multiple submitters, no conflicts (2 of 4 stars). 8 submissions from 6 submitters: Likely benign (8). Last evaluated 2026-01-20.

Conditions:
SPG11-related disorder. Also called: SPG11-related condition.
Inborn genetic diseases. Identifiers: MedGen C0950123, MeSH D030342.
Amyotrophic lateral sclerosis type 5 (ALS5). Also called: AMYOTROPHIC LATERAL SCLEROSIS 5, JUVENILE. Identifiers: Orphanet 300605, MedGen C1865864, MONDO:0011196, OMIM 602099.
Charcot-Marie-Tooth disease axonal type 2X. Also called: CHARCOT-MARIE-TOOTH DISEASE, AXONAL, AUTOSOMAL RECESSIVE, TYPE 2X; CHARCOT-MARIE-TOOTH NEUROPATHY, TYPE 2X. Identifiers: Orphanet 466775, MedGen C5569024, MONDO:0014726, OMIM 616668.
Hereditary spastic paraplegia 11. Also called: Spastic Paraplegia 11; SPASTIC PARAPLEGIA, AUTOSOMAL RECESSIVE, COMPLICATED, WITH THIN CORPUS CALLOSUM; SPASTIC PARAPLEGIA, AUTOSOMAL RECESSIVE, WITH MENTAL IMPAIRMENT AND THIN CORPUS CALLOSUM; Spastic paraplegia, mental retardation and thin corpus callosum; Nakamura Osame syndrome; Autosomal recessive hereditary spastic paraplegia, mental impairment, and thin corpus callosum. Identifiers: Orphanet 2822, MedGen C1858479, MONDO:0011445, OMIM 604360.

Allele frequency attached by ClinVar (database versions not stated): gnomAD exomes 0.00022; ExAC 0.00025; ESP Exome Variant Server 0.00046; 1000 Genomes Project 0.00080; gnomAD 0.00101 and 0.00112; TOPMed 0.00124; 1000 Genomes Project 30x 0.00141.
gnomAD v4.1: 302 of 1,613,700 alleles (0.019%); highest among the groups gnomAD compares: African/African-American, 0.35%; 1 homozygote.

Submissions (8):

Labcorp Genetics (formerly Invitae), Labcorp
Classification: Likely benign for Hereditary spastic paraplegia 11. Last evaluated: 2026-01-20. Review status: criteria provided, single submitter. Criteria: Invitae Variant Classification Sherloc (09022015). Collection method: clinical testing. Allele origin: germline.

Mayo Clinic Laboratories, Mayo Clinic
Classification: Likely benign. Last evaluated: 2025-05-08. Review status: criteria provided, single submitter. Criteria: ACMG Guidelines, 2015. Collection method: clinical testing. Allele origin: germline. Observed: 1 variant allele.
Comment: BS1, BP4_moderate

PreventionGenetics, part of Exact Sciences
Classification: Likely benign for SPG11-related condition. Last evaluated: 2024-11-20. Review status: criteria provided, single submitter. Criteria: ACMG Guidelines, 2015. Collection method: clinical testing. Allele origin: germline.
Comment: This variant is classified as likely benign based on ACMG/AMP sequence variant interpretation guidelines (Richards et al. 2015 PMID: 25741868, with internal and published modifications).

GeneDx
Classification: Likely benign. Last evaluated: 2022-06-30. Review status: criteria provided, single submitter. Criteria: GeneDx Variant Classification Process June 2021. Collection method: clinical testing. Allele origin: germline. Affected: yes.
Comment: See Variant Classification Assertion Criteria.

Ambry Genetics
Classification: Likely benign for Inborn genetic diseases. Last evaluated: 2020-02-04. Review status: criteria provided, single submitter. Criteria: Ambry Variant Classification Scheme 2023. Collection method: clinical testing. Allele origin: germline.

Genome-Nilou Lab
Classification: Likely benign for Amyotrophic lateral sclerosis type 5. Review status: criteria provided, single submitter. Criteria: ACMG Guidelines, 2015. Collection method: clinical testing. Allele origin: germline.

Genome-Nilou Lab
Classification: Likely benign for Charcot-Marie-Tooth disease axonal type 2X. Review status: criteria provided, single submitter. Criteria: ACMG Guidelines, 2015. Collection method: clinical testing. Allele origin: germline.

Genome-Nilou Lab
Classification: Likely benign for Hereditary spastic paraplegia 11. Review status: criteria provided, single submitter. Criteria: ACMG Guidelines, 2015. Collection method: clinical testing. Allele origin: germline.